The following is an entry in ClinVar:

ClinVar aggregate classification (germline): Uncertain significance (1 of 4 stars; one submission).

gnomAD v4.1: 1 of 1,613,988 alleles (0.000062%); highest among the groups gnomAD compares: Non-Finnish European, 0.000085%; no homozygotes.

Submission:

GeneDx
Classification: Uncertain significance. Last evaluated: 2024-02-18. Review status: criteria provided, single submitter. Criteria: GeneDx Variant Classification Process June 2021. Collection method: clinical testing. Allele origin: germline. Affected: yes.
Comment: Not observed at significant frequency in large population cohorts (gnomAD); In silico analysis supports that this missense variant has a deleterious effect on protein structure/function; Has not been previously published as pathogenic or benign to our knowledge

NM_006618.5(KDM5B):c.2260T>C (p.Ser754Pro)

Gene: KDM5B (lysine demethylase 5B; minus strand). Cytogenetic location: 1q32.1.
Variant type: single nucleotide variant.
Coding change: c.2260T>C on transcript NM_006618.5 (MANE Select); coding-DNA position 2260, T replaced by C.
Protein change: p.Ser754Pro; replaces serine 754 with proline.
Molecular consequence: missense variant.
Genome position (GRCh38, 1-based): chr1:202,745,921, A>G on the plus strand (T>C on the coding strand, the complement: KDM5B is on the minus strand). VCF-style: chr1-202745921-A-G. GRCh37 (hg19) VCF-style: chr1-202715049-A-G.
Other names: c.2368T>C, p.Ser790Pro (NM_001314042.2); c.2125T>C, p.Ser709Pro (NM_001347591.2); c.2245T>C, p.Ser749Pro (NM_001399817.1); short protein forms S749P, S754P, S790P, S709P.
Identifiers: ClinVar variation 3369437 (VCV003369437.1).
Genomic context (GRCh38, chr1:202,745,921, plus strand): 5'-TCTTCTTGTTGATCTTTGCCTCCAAAGCTTCATTCACATTCAAGGCCCATTCGTTGTAAG[A>G]TTCTGCTCGAAGCTTCAATGCATTCATCATAGGGTAGAGATCATCCAGCGTGTACCTATA-3'
Protein context (NP_006609.3, residues 744-764): MMNALKLRAE[Ser754Pro]YNEWALNVNE